The following is an entry in ClinVar:

ClinVar aggregate classification (germline): Uncertain significance. Review status: criteria provided, multiple submitters, no conflicts (2 of 4 stars). 2 submissions from 2 submitters: Uncertain significance (2). Last evaluated 2024-11-24.

Conditions:
KBG syndrome (KBGS). Also called: ANKRD11-Related KBG Syndrome. Identifiers: Orphanet 2332, MedGen C0220687, MONDO:0007846, OMIM 148050.
Inborn genetic diseases. Identifiers: MedGen C0950123, MeSH D030342.

gnomAD v4.1: 3 of 1,612,708 alleles (0.00019%); highest among the groups gnomAD compares: African/African-American, 0.004%; no homozygotes.

Submissions (2):

Ambry Genetics
Classification: Uncertain significance for Inborn genetic diseases. Last evaluated: 2024-11-24. Review status: criteria provided, single submitter. Criteria: Ambry Variant Classification Scheme 2023. Collection method: clinical testing. Allele origin: germline.

Labcorp Genetics (formerly Invitae), Labcorp
Classification: Uncertain significance for KBG syndrome. Last evaluated: 2024-05-02. Review status: criteria provided, single submitter. Criteria: Invitae Variant Classification Sherloc (09022015). Collection method: clinical testing. Allele origin: germline.
Comment: This sequence change replaces leucine, which is neutral and non-polar, with isoleucine, which is neutral and non-polar, at codon 705 of the ANKRD11 protein (p.Leu705Ile). This variant is not present in population databases (gnomAD no frequency). This variant has not been reported in the literature in individuals affected with ANKRD11-related conditions. Advanced modeling of protein sequence and biophysical properties (such as structural, functional, and spatial information, amino acid conservation, physicochemical variation, residue mobility, and thermodynamic stability) performed at Invitae indicates that this missense variant is not expected to disrupt ANKRD11 protein function with a negative predictive value of 95%. In summary, the available evidence is currently insufficient to determine the role of this variant in disease. Therefore, it has been classified as a Variant of Uncertain Significance.

NM_013275.6(ANKRD11):c.2113T>A (p.Leu705Ile)

Gene: ANKRD11 (ankyrin repeat domain 11; minus strand). Cytogenetic location: 16q24.3.
Variant type: single nucleotide variant.
Coding change: c.2113T>A on transcript NM_013275.6 (MANE Select); coding-DNA position 2113, T replaced by A.
Protein change: p.Leu705Ile; replaces leucine 705 with isoleucine.
Molecular consequence: missense variant.
Genome position (GRCh38, 1-based): chr16:89,284,429, A>T on the plus strand (T>A on the coding strand, the complement: ANKRD11 is on the minus strand). VCF-style: chr16-89284429-A-T. GRCh37 (hg19) VCF-style: chr16-89350837-A-T.
Other names: c.2113T>A, p.Leu705Ile (NM_001256182.2, NM_001256183.2); short protein forms L705I.
Identifiers: ClinVar variation 3543731 (VCV003543731.3).